The following is an entry in ClinVar:

ClinVar aggregate classification (germline): Uncertain significance (1 of 4 stars; one submission).

Submission:

GeneDx
Classification: Uncertain significance. Last evaluated: 2026-01-31. Review status: criteria provided, single submitter. Criteria: GeneDx Variant Classification Process June 2021. Collection method: clinical testing. Allele origin: germline. Affected: yes.
Comment: Not observed at significant frequency in large population cohorts (gnomAD); In silico analysis supports that this missense variant has a deleterious effect on protein structure/function; Has not been previously published as pathogenic or benign to our knowledge

NM_006060.6(IKZF1):c.52C>T (p.Pro18Ser)

Gene: IKZF1 (IKAROS family zinc finger 1; plus strand). Cytogenetic location: 7p12.2.
Variant type: single nucleotide variant.
Coding change: c.52C>T on transcript NM_006060.6 (MANE Select); coding-DNA position 52, C replaced by T.
Protein change: p.Pro18Ser; replaces proline 18 with serine.
Molecular consequence: missense variant.
Genome position (GRCh38, 1-based): chr7:50,327,649, C>T. VCF-style: chr7-50327649-C-T. GRCh37 (hg19) VCF-style: chr7-50367245-C-T.
Other names: c.52C>T, p.Pro18Ser (NM_001220765.3, NM_001220767.2, NM_001220768.2 and 14 more transcripts); short protein forms P18S.
Identifiers: ClinVar variation 3901460 (VCV003901460.2).